The following is an entry in ClinVar:

NM_018076.5(ODAD2):c.1813G>A (p.Val605Met)

Gene: ODAD2 (outer dynein arm docking complex subunit 2; minus strand). Cytogenetic location: 10p12.1.
Variant type: single nucleotide variant.
Coding change: c.1813G>A on transcript NM_018076.5 (MANE Select); coding-DNA position 1813, G replaced by A.
Protein change: p.Val605Met; replaces valine 605 with methionine.
Molecular consequence: missense variant.
Genome position (GRCh38, 1-based): chr10:27,940,736, C>T on the plus strand (G>A on the coding strand, the complement: ODAD2 is on the minus strand). VCF-style: chr10-27940736-C-T. GRCh37 (hg19) VCF-style: chr10-28229665-C-T.
Other names: c.1813G>A, p.Val605Met (NM_001290020.2); c.388G>A, p.Val130Met (NM_001290021.2); c.889G>A, p.Val297Met (NM_001312689.2); short protein forms V605M, V130M, V297M.
Identifiers: ClinVar variation 2153654 (VCV002153654.4), dbSNP rs1210841509, ClinGen allele CA376392695.
Genomic context (GRCh38, chr10:27,940,736, plus strand): 5'-TATTCGTATGACTCTTACTGCAGCTCCACAGGGCCAGTGCCCCACAGCGAGCCACTTCCA[C>T]GTCTCTGGCCTCATACAGACTCGATTGGGCAGGTTTTGTGGAATCATGTGCACAGTCTAG-3'
Protein context (NP_060546.2, residues 595-615): AQSSLYEARD[Val605Met]EVARCGALAL

ClinVar aggregate classification (germline): Uncertain significance (1 of 4 stars; one submission).

Conditions:
Primary ciliary dyskinesia 23 (CILD23). Also called: CILIARY DYSKINESIA, PRIMARY, 23, WITH OR WITHOUT SITUS INVERSUS. Identifiers: Orphanet 244, MedGen C3809548, MONDO:0014193, OMIM 615451.

Allele frequency attached by ClinVar (database versions not stated): gnomAD 0.00001; TOPMed 0.00002.

Submission:

Labcorp Genetics (formerly Invitae), Labcorp
Classification: Uncertain significance for Primary ciliary dyskinesia 23. Last evaluated: 2025-10-10. Review status: criteria provided, single submitter. Criteria: Invitae Variant Classification Sherloc (09022015). Collection method: clinical testing. Allele origin: germline.
Comment: This sequence change replaces valine, which is neutral and non-polar, with methionine, which is neutral and non-polar, at codon 605 of the ARMC4 protein (p.Val605Met). This variant is not present in population databases (gnomAD no frequency). This missense change has been observed in individual(s) with clinical features of primary ciliary dyskinesia (PMID: 31213628). ClinVar contains an entry for this variant (Variation ID: 2153654). An algorithm developed to predict the effect of missense changes on protein structure and function outputs the following: PolyPhen-2: "Benign". The methionine amino acid residue is found in multiple mammalian species, which suggests that this missense change does not adversely affect protein function. In summary, the available evidence is currently insufficient to determine the role of this variant in disease. Therefore, it has been classified as a Variant of Uncertain Significance.

Literature cited by the submitters: PubMed 31213628.